The following is an entry in ClinVar:

ClinVar aggregate classification (germline): Pathogenic (1 of 4 stars; one submission).

Allele frequency attached by ClinVar (database versions not stated): gnomAD exomes below 0.00001 and 0.00001.

Submission:

Labcorp Genetics (formerly Invitae), Labcorp
Classification: Pathogenic. Last evaluated: 2022-11-15. Review status: criteria provided, single submitter. Criteria: Invitae Variant Classification Sherloc (09022015). Collection method: clinical testing. Allele origin: germline.
Comment: This sequence change creates a premature translational stop signal (p.Glu1015Serfs*5) in the CEP135 gene. It is expected to result in an absent or disrupted protein product. Loss-of-function variants in CEP135 are known to be pathogenic (PMID: 22521416, 26657937). For these reasons, this variant has been classified as Pathogenic. ClinVar contains an entry for this variant (Variation ID: 1452171). This variant has not been reported in the literature in individuals affected with CEP135-related conditions. This variant is present in population databases (no rsID available, gnomAD 0.006%).

Literature cited by the submitters: PubMed 22521416; PubMed 26657937.

NM_025009.5(CEP135):c.3042del (p.Glu1015fs)

Gene: CEP135 (centrosomal protein 135; plus strand). Cytogenetic location: 4q12.
Variant type: Deletion.
Coding change: c.3042del on transcript NM_025009.5 (MANE Select); coding-DNA position 3042, one base deleted (A; older notation c.3042delA).
Protein change: p.Glu1015fs; shifts the reading frame from glutamic acid 1015.
Molecular consequence: frameshift variant.
Genome position (GRCh38, 1-based): chr4:56,019,382, A deleted. VCF-style (leftmost placement, unchanged base first): chr4-56019381-CA-C. GRCh37 (hg19) VCF-style: chr4-56885547-CA-C.
Other names: short protein forms E1015fs.
Identifiers: ClinVar variation 1452171 (VCV001452171.6), dbSNP rs1560425213, ClinGen allele CA551652322.